The following is an entry in ClinVar:

NM_152564.5(VPS13B):c.9743-2A>C

Gene: VPS13B (vacuolar protein sorting 13 homolog B; plus strand). Cytogenetic location: 8q22.2.
Variant type: single nucleotide variant.
Coding change: c.9743-2A>C on transcript NM_152564.5 (MANE Select); the canonical splice acceptor site of the intron before coding-DNA position 9743, A replaced by C.
Molecular consequence: splice acceptor variant.
Genome position (GRCh38, 1-based): chr8:99,835,537, A>C. VCF-style: chr8-99835537-A-C. GRCh37 (hg19) VCF-style: chr8-100847765-A-C.
Other names: c.9818-2A>C (NM_017890.5).
Identifiers: ClinVar variation 1523825 (VCV001523825.8), dbSNP rs1815345770, ClinGen allele CA371783504.

ClinVar aggregate classification (germline): Likely pathogenic (1 of 4 stars; one submission).

Conditions:
Cohen syndrome (COH1). Also called: PEPPER SYNDROME; Cutis verticis gyrata, retinitis pigmentosa, and sensorineural deafness. Identifiers: Orphanet 193, MedGen C0265223, MONDO:0008999, OMIM 216550.

Submission:

Labcorp Genetics (formerly Invitae), Labcorp
Classification: Likely pathogenic for Cohen syndrome. Last evaluated: 2021-05-17. Review status: criteria provided, single submitter. Criteria: Invitae Variant Classification Sherloc (09022015). Collection method: clinical testing. Allele origin: germline.
Comment: In summary, the currently available evidence indicates that the variant is pathogenic, but additional data are needed to prove that conclusively. Therefore, this variant has been classified as Likely Pathogenic. This variant has not been reported in the literature in individuals with VPS13B-related conditions. Algorithms developed to predict the effect of sequence changes on RNA splicing suggest that this variant may disrupt the consensus splice site, but this prediction has not been confirmed by published transcriptional studies. This variant is not present in population databases (ExAC no frequency). This sequence change affects an acceptor splice site in intron 53 of the VPS13B gene. It is expected to disrupt RNA splicing. Variants that disrupt the donor or acceptor splice site typically lead to a loss of protein function (PMID: 16199547), and loss-of-function variants in VPS13B are known to be pathogenic (PMID: 15141358, 16648375, 20461111).

Literature cited by the submitters: PubMed 16199547; PubMed 15141358; PubMed 16648375; PubMed 20461111.